The following is an entry in ClinVar:

NM_015978.3(TNNI3K):c.1417T>G (p.Ser473Ala)

Genes: FPGT-TNNI3K (FPGT-TNNI3K readthrough; plus strand), TNNI3K (TNNI3 interacting kinase; plus strand). Cytogenetic location: 1p31.1.
Variant type: single nucleotide variant.
Coding change: c.1417T>G on transcript NM_015978.3 (MANE Select); coding-DNA position 1417, T replaced by G.
Protein change: p.Ser473Ala; replaces serine 473 with alanine.
Molecular consequence: missense variant.
Genome position (GRCh38, 1-based): chr1:74,369,209, T>G. VCF-style: chr1-74369209-T-G. GRCh37 (hg19) VCF-style: chr1-74834893-T-G.
Other names: c.1720T>G, p.Ser574Ala (NM_001112808.3, NM_001199327.2); short protein forms S473A, S574A.
Identifiers: ClinVar variation 1350082 (VCV001350082.8), dbSNP rs1662456296, ClinGen allele CA340785918.

ClinVar aggregate classification (germline): Uncertain significance (1 of 4 stars; one submission).

Allele frequency attached by ClinVar (database versions not stated): gnomAD 0.00001; TOPMed 0.00002.
gnomAD v4.1: 1 of 1,610,028 alleles (0.000062%); highest among the groups gnomAD compares: Admixed American, 0.0017%; no homozygotes.

Submission:

Labcorp Genetics (formerly Invitae), Labcorp
Classification: Uncertain significance. Last evaluated: 2026-01-05. Review status: criteria provided, single submitter. Criteria: Invitae Variant Classification Sherloc (09022015). Collection method: clinical testing. Allele origin: germline.
Comment: This sequence change replaces serine, which is neutral and polar, with alanine, which is neutral and non-polar, at codon 473 of the TNNI3K protein (p.Ser473Ala). This variant is not present in population databases (gnomAD no frequency). This variant has not been reported in the literature in individuals affected with TNNI3K-related conditions. ClinVar contains an entry for this variant (Variation ID: 1350082). An algorithm developed to predict the effect of missense changes on protein structure and function (PolyPhen-2) suggests that this variant is likely to be disruptive. In summary, the available evidence is currently insufficient to determine the role of this variant in disease. Therefore, it has been classified as a Variant of Uncertain Significance.